The following is an entry in ClinVar:

ClinVar aggregate classification (germline): Likely benign. Review status: criteria provided, multiple submitters, no conflicts (2 of 4 stars). 3 submissions from 3 submitters: Likely benign (2). 1 of the submissions does not count toward it. Last evaluated 2024-10-17.

Conditions:
Idiopathic Pulmonary Fibrosis. Also called: Idiopathic fibrosing alveolitis, chronic form; idiopathic fibrosing alveolitis. Identifiers: Orphanet 2032, MedGen C1800706, MeSH D054990, MONDO:0800504.
Dyskeratosis congenita, autosomal dominant 2. Identifiers: MedGen C3151443, MONDO:0013521, OMIM 613989.
TERT-related disorder. Also called: TERT-related condition; TERT-related disorders.

Allele frequency attached by ClinVar (database versions not stated): gnomAD 0.00001; gnomAD exomes 0.00001; TOPMed 0.00002.
gnomAD v4.1: 17 of 1,563,084 alleles (0.0011%); highest among the groups gnomAD compares: Non-Finnish European, 0.0015%; no homozygotes.

Submissions (3):

Labcorp Genetics (formerly Invitae), Labcorp
Classification: Likely benign for Dyskeratosis congenita, autosomal dominant 2; Idiopathic Pulmonary Fibrosis. Last evaluated: 2024-10-17. Review status: criteria provided, single submitter. Criteria: Invitae Variant Classification Sherloc (09022015). Collection method: clinical testing. Allele origin: germline.

Blueprint Genetics
Classification: Likely benign. Last evaluated: 2023-11-02. Review status: criteria provided, single submitter. Criteria: ACMG Guidelines, 2015. Collection method: clinical testing. Allele origin: germline.

PreventionGenetics, part of Exact Sciences
Classification: Likely benign for TERT-related condition. Last evaluated: 2024-05-31. Review status: no assertion criteria provided. Collection method: clinical testing. Allele origin: germline. Not counted in ClinVar's aggregate classification.
Comment: This variant is classified as likely benign based on ACMG/AMP sequence variant interpretation guidelines (Richards et al. 2015 PMID: 25741868, with internal and published modifications).

NM_198253.3(TERT):c.2971-9C>T

Gene: TERT (telomerase reverse transcriptase; minus strand). Cytogenetic location: 5p15.33.
Variant type: single nucleotide variant.
Coding change: c.2971-9C>T on transcript NM_198253.3 (MANE Select); 9 bases into the intron before coding-DNA position 2971, C replaced by T.
Molecular consequence: intron variant.
Genome position (GRCh38, 1-based): chr5:1,258,668, G>A on the plus strand (C>T on the coding strand, the complement: TERT is on the minus strand). VCF-style: chr5-1258668-G-A. GRCh37 (hg19) VCF-style: chr5-1258783-G-A.
Other names: c.2782-9C>T (NM_001193376.3).
Identifiers: ClinVar variation 569034 (VCV000569034.52), dbSNP rs895340018, ClinGen allele CA112928431.
Genomic context (GRCh38, chr5:1,258,668, plus strand): 5'-GCAGCAGGAGGATCTTGTAGATGTTGGTGCACACCGTCTGGAGGCTGTTCACCTAGAGTC[G>A]CCAAGAAAGAGTGAGAAACGGTAGAAACCTCTCTGGGATTTTAAGTTTTTACTTTTTGCT-3'